The following is an entry in ClinVar:

ClinVar aggregate classification (germline): Benign/Likely benign. Review status: criteria provided, multiple submitters, no conflicts (2 of 4 stars). 5 submissions from 5 submitters: Benign (1); Likely benign (4). Last evaluated 2025-12-22.

Conditions:
Multiple endocrine neoplasia type 4. Also called: MULTIPLE ENDOCRINE NEOPLASIA, TYPE IV. Identifiers: Orphanet 276152, MedGen C1970712, MONDO:0012552, OMIM 610755.
Hereditary cancer-predisposing syndrome. Also called: Hereditary neoplastic syndrome; Tumor predisposition; Hereditary Cancer Syndrome; Neoplastic Syndromes, Hereditary. Identifiers: Orphanet 140162, MedGen C0027672, MeSH D009386, MONDO:0015356.

Allele frequency attached by ClinVar (database versions not stated): TOPMed 0.00004; gnomAD 0.00007; gnomAD exomes 0.00010 and 0.00024; ExAC 0.00036.
gnomAD v4.1: 161 of 1,614,128 alleles (0.01%); highest among the groups gnomAD compares: Non-Finnish European, 0.011%; no homozygotes.

Submissions (5):

Labcorp Genetics (formerly Invitae), Labcorp
Classification: Likely benign for Multiple endocrine neoplasia type 4. Last evaluated: 2025-12-22. Review status: criteria provided, single submitter. Criteria: Invitae Variant Classification Sherloc (09022015). Collection method: clinical testing. Allele origin: germline.

Center for Genomic Medicine, Rigshospitalet, Copenhagen University Hospital
Classification: Likely benign. Last evaluated: 2025-03-04. Review status: criteria provided, single submitter. Criteria: ACMG Guidelines, 2015. Collection method: clinical testing. Allele origin: germline.

Blueprint Genetics
Classification: Likely benign. Last evaluated: 2023-11-13. Review status: criteria provided, single submitter. Criteria: ACMG Guidelines, 2015. Collection method: clinical testing. Allele origin: germline.

Ambry Genetics
Classification: Likely benign for Hereditary cancer-predisposing syndrome. Last evaluated: 2019-06-20. Review status: criteria provided, single submitter. Criteria: Ambry Variant Classification Scheme 2023. Collection method: clinical testing. Allele origin: germline.

Illumina Laboratory Services, Illumina
Classification: Benign for Multiple endocrine neoplasia type 4. Last evaluated: 2018-01-12. Review status: criteria provided, single submitter. Criteria: ICSL Variant Classification Criteria 13 December 2019. Collection method: clinical testing. Allele origin: germline.
Comment: This variant was observed in the ICSL laboratory as part of a predisposition screen in an ostensibly healthy population. It had not been previously curated by ICSL or reported in the Human Gene Mutation Database (HGMD: prior to June 1st, 2018), and was therefore a candidate for classification through an automated scoring system. Utilizing variant allele frequency, disease prevalence and penetrance estimates, and inheritance mode, an automated score was calculated to assess if this variant is too frequent to cause the disease. Based on the score and internal cut-off values, a variant classified as benign is not then subjected to further curation. The score for this variant resulted in a classification of benign for this disease.

NM_004064.5(CDKN1B):c.234G>A (p.Glu78=)

Gene: CDKN1B (cyclin dependent kinase inhibitor 1B; plus strand). Cytogenetic location: 12p13.1.
Variant type: single nucleotide variant.
Coding change: c.234G>A on transcript NM_004064.5 (MANE Select); coding-DNA position 234, G replaced by A.
Protein change: p.Glu78=; no amino-acid change (glutamic acid 78 retained).
Molecular consequence: synonymous variant.
Genome position (GRCh38, 1-based): chr12:12,718,073, G>A. VCF-style: chr12-12718073-G-A. GRCh37 (hg19) VCF-style: chr12-12871007-G-A.
Identifiers: ClinVar variation 307661 (VCV000307661.23), dbSNP rs751794433, ClinGen allele CA6457420.